The following is an entry in ClinVar:

ClinVar aggregate classification (germline): Likely pathogenic (1 of 4 stars; one submission).

Conditions:
ALG1-congenital disorder of glycosylation. Also called: CONGENITAL DISORDER OF GLYCOSYLATION, TYPE Ik; CDG Ik; ALG1-CDG. Identifiers: Orphanet 79327, MedGen C2931005, MONDO:0012052, OMIM 608540.

Allele frequency attached by ClinVar (database versions not stated): gnomAD exomes below 0.00001; TOPMed below 0.00001.
gnomAD v4.1: 1 of 1,614,108 alleles (0.000062%); highest among the groups gnomAD compares: Non-Finnish European, 0.000085%; no homozygotes.

Submission:

Labcorp Genetics (formerly Invitae), Labcorp
Classification: Likely pathogenic for ALG1-congenital disorder of glycosylation. Last evaluated: 2024-02-22. Review status: criteria provided, single submitter. Criteria: Invitae Variant Classification Sherloc (09022015). Collection method: clinical testing. Allele origin: germline.
Comment: This sequence change replaces proline, which is neutral and non-polar, with serine, which is neutral and polar, at codon 98 of the ALG1 protein (p.Pro98Ser). This variant is not present in population databases (gnomAD no frequency). This variant has not been reported in the literature in individuals affected with ALG1-related conditions. Advanced modeling of protein sequence and biophysical properties (such as structural, functional, and spatial information, amino acid conservation, physicochemical variation, residue mobility, and thermodynamic stability) performed at Invitae indicates that this missense variant is expected to disrupt ALG1 protein function with a positive predictive value of 95%. This variant disrupts the p.Pro98 amino acid residue in ALG1. Other variant(s) that disrupt this residue have been determined to be pathogenic (PMID: 23806237, 26931382). This suggests that this residue is clinically significant, and that variants that disrupt this residue are likely to be disease-causing. In summary, the currently available evidence indicates that the variant is pathogenic, but additional data are needed to prove that conclusively. Therefore, this variant has been classified as Likely Pathogenic.

Literature cited by the submitters: PubMed 23806237; PubMed 26931382.

NM_019109.5(ALG1):c.292C>T (p.Pro98Ser)

Gene: ALG1 (ALG1 chitobiosyldiphosphodolichol beta-mannosyltransferase; plus strand). Cytogenetic location: 16p13.3.
Variant type: single nucleotide variant.
Coding change: c.292C>T on transcript NM_019109.5 (MANE Select); coding-DNA position 292, C replaced by T.
Protein change: p.Pro98Ser; replaces proline 98 with serine.
Molecular consequence: missense variant. On other transcripts: 5 prime UTR variant (1).
Genome position (GRCh38, 1-based): chr16:5,073,158, C>T. VCF-style: chr16-5073158-C-T. GRCh37 (hg19) VCF-style: chr16-5123159-C-T.
Other names: c.-42C>T (NM_001330504.2); short protein forms P98S.
Identifiers: ClinVar variation 2996365 (VCV002996365.3), dbSNP rs1252818613, ClinGen allele CA394679809.